The following is an entry in ClinVar:

ClinVar aggregate classification (germline): Uncertain significance (1 of 4 stars; one submission).

Submission:

Women's Health and Genetics/Laboratory Corporation of America, LabCorp
Classification: Uncertain significance. Last evaluated: 2023-08-14. Review status: criteria provided, single submitter. Criteria: LabCorp Variant Classification Summary - May 2015. Collection method: clinical testing. Allele origin: germline.
Comment: Variant summary: KPNA3 c.1028A>C (p.Asn343Thr) results in a non-conservative amino acid change in the encoded protein sequence. Three of five in-silico tools predict a damaging effect of the variant on protein function. The variant was absent in 250586 control chromosomes. The available data on variant occurrences in the general population are insufficient to allow any conclusion about variant significance. To our knowledge, no occurrence of c.1028A>C in individuals affected with Spastic Paraplegia 88, Autosomal Dominant and no experimental evidence demonstrating its impact on protein function have been reported. No submitters have cited clinical-significance assessments for this variant to ClinVar after 2014. Based on the evidence outlined above, the variant was classified as uncertain significance.

NM_002267.4(KPNA3):c.1028A>C (p.Asn343Thr)

Gene: KPNA3 (karyopherin subunit alpha 3; minus strand). Cytogenetic location: 13q14.2.
Variant type: single nucleotide variant.
Coding change: c.1028A>C on transcript NM_002267.4 (MANE Select); coding-DNA position 1028, A replaced by C.
Protein change: p.Asn343Thr; replaces asparagine 343 with threonine.
Molecular consequence: missense variant.
Genome position (GRCh38, 1-based): chr13:49,709,576, T>G on the plus strand (A>C on the coding strand, the complement: KPNA3 is on the minus strand). VCF-style: chr13-49709576-T-G. GRCh37 (hg19) VCF-style: chr13-50283712-T-G.
Other names: short protein forms N343T.
Identifiers: ClinVar variation 2581683 (VCV002581683.1), dbSNP rs564882588, ClinGen allele CA388201235.